The following is an entry in ClinVar:

NM_015158.5(KANK1):c.3647T>C (p.Ile1216Thr)

Gene: KANK1 (KN motif and ankyrin repeat domains 1; plus strand). Cytogenetic location: 9p24.3.
Variant type: single nucleotide variant.
Coding change: c.3647T>C on transcript NM_015158.5 (MANE Select); coding-DNA position 3647, T replaced by C.
Protein change: p.Ile1216Thr; replaces isoleucine 1216 with threonine.
Molecular consequence: missense variant. On other transcripts: non-coding transcript variant (1).
Genome position (GRCh38, 1-based): chr9:740,885, T>C. VCF-style: chr9-740885-T-C. GRCh37 (hg19) VCF-style: chr9-740885-T-C.
Other names: c.3647T>C, p.Ile1216Thr (NM_001256876.3, NM_001256877.3, NM_001354334.2); c.3407T>C, p.Ile1136Thr (NM_001354331.2); c.3593T>C, p.Ile1198Thr (NM_001354332.2); c.3173T>C, p.Ile1058Thr (NM_001354333.2, NM_001354335.2, NM_001354337.2 and 2 more transcripts); c.2879T>C, p.Ile960Thr (NM_001354336.2); c.3119T>C, p.Ile1040Thr (NM_001354338.2, NM_001354340.2, NM_001354344.2); c.2933T>C, p.Ile978Thr (NM_001354339.2, NM_001354342.2, NM_001354343.2); short protein forms I960T, I1136T, I978T, I1040T, I1058T, I1216T, I1198T.
Identifiers: ClinVar variation 787341 (VCV000787341.10), dbSNP rs116440714, ClinGen allele CA4961082.

ClinVar aggregate classification (germline): Benign/Likely benign. Review status: criteria provided, multiple submitters, no conflicts (2 of 4 stars). 3 submissions from 3 submitters: Benign (1); Likely benign (2). Last evaluated 2026-01-19.

Allele frequency attached by ClinVar (database versions not stated): gnomAD exomes 0.00035 and 0.00091; ExAC 0.00119; 1000 Genomes Project 0.00379; TOPMed 0.00388; ESP Exome Variant Server 0.00400; 1000 Genomes Project 30x 0.00406.
gnomAD v4.1: 1,072 of 1,614,144 alleles (0.066%); highest among the groups gnomAD compares: African/African-American, 1.2%; 3 homozygotes.

Submissions (3):

Labcorp Genetics (formerly Invitae), Labcorp
Classification: Benign. Last evaluated: 2026-01-19. Review status: criteria provided, single submitter. Criteria: Invitae Variant Classification Sherloc (09022015). Collection method: clinical testing. Allele origin: germline.

Blueprint Genetics
Classification: Likely benign. Last evaluated: 2024-11-27. Review status: criteria provided, single submitter. Criteria: ACMG Guidelines, 2015. Collection method: clinical testing. Allele origin: germline.

GeneDx
Classification: Likely benign. Last evaluated: 2022-05-24. Review status: criteria provided, single submitter. Criteria: GeneDx Variant Classification Process June 2021. Collection method: clinical testing. Allele origin: germline. Affected: yes.
Comment: See Variant Classification Assertion Criteria.